The following is an entry in ClinVar:

NM_024422.6(DSC2):c.2082G>T (p.Lys694Asn)

Gene: DSC2 (desmocollin 2; minus strand). Cytogenetic location: 18q12.1.
Variant type: single nucleotide variant.
Coding change: c.2082G>T on transcript NM_024422.6 (MANE Select); coding-DNA position 2082, G replaced by T.
Protein change: p.Lys694Asn; replaces lysine 694 with asparagine.
Molecular consequence: missense variant.
Genome position (GRCh38, 1-based): chr18:31,071,648, C>A on the plus strand (G>T on the coding strand, the complement: DSC2 is on the minus strand). VCF-style: chr18-31071648-C-A. GRCh37 (hg19) VCF-style: chr18-28651614-C-A.
Other names: c.2082G>T, p.Lys694Asn (NM_004949.5); short protein forms K694N.
Identifiers: ClinVar variation 46176 (VCV000046176.8), dbSNP rs397517397, ClinGen allele CA022607.
Genomic context (GRCh38, chr18:31,071,648, plus strand): 5'-AAGGACTTAAGACTTACAAAAGAGCAATGCTATGCCCAACAATATTGCAAGGATGGCCCA[C>A]TTTCCAAGTTGTACTCCTCCACCGCCAATCCTTGGATCTACACGATGTGTGCAGTCATTT-3'
Protein context (NP_077740.1, residues 684-704): RIGGGGVQLG[Lys694Asn]WAILAILLGI

ClinVar aggregate classification (germline): Uncertain significance. Review status: criteria provided, multiple submitters, no conflicts (2 of 4 stars). 2 submissions from 2 submitters: Uncertain significance (2). Last evaluated 2023-07-06.

Conditions:
Arrhythmogenic right ventricular dysplasia 11. Also called: ARRHYTHMOGENIC RIGHT VENTRICULAR DYSPLASIA, FAMILIAL, 11; Arrhythmogenic right ventricular dysplasia 11 with mild palmoplantar keratoderma and woolly hair; Arrhythmogenic Right Ventricular Dysplasia/Cardiomyopathy11. Identifiers: MedGen C1864850, MONDO:0012506, OMIM 610476.

Allele frequency attached by ClinVar (database versions not stated): gnomAD exomes below 0.00001; TOPMed below 0.00001; gnomAD 0.00001.
gnomAD v4.1: 3 of 1,613,956 alleles (0.00019%); highest among the groups gnomAD compares: Non-Finnish European, 0.00025%; no homozygotes.

Submissions (2):

Labcorp Genetics (formerly Invitae), Labcorp
Classification: Uncertain significance for Arrhythmogenic right ventricular dysplasia 11. Last evaluated: 2023-07-06. Review status: criteria provided, single submitter. Criteria: Invitae Variant Classification Sherloc (09022015). Collection method: clinical testing. Allele origin: germline.
Comment: ClinVar contains an entry for this variant (Variation ID: 46176). In summary, the available evidence is currently insufficient to determine the role of this variant in disease. Therefore, it has been classified as a Variant of Uncertain Significance. Algorithms developed to predict the effect of sequence changes on RNA splicing suggest that this variant may disrupt the consensus splice site. Advanced modeling of protein sequence and biophysical properties (such as structural, functional, and spatial information, amino acid conservation, physicochemical variation, residue mobility, and thermodynamic stability) has been performed at Invitae for this missense variant, however the output from this modeling did not meet the statistical confidence thresholds required to predict the impact of this variant on DSC2 protein function. This variant has not been reported in the literature in individuals affected with DSC2-related conditions. This variant is present in population databases (rs397517397, gnomAD 0.0009%). This sequence change replaces lysine, which is basic and polar, with asparagine, which is neutral and polar, at codon 694 of the DSC2 protein (p.Lys694Asn).

Laboratory for Molecular Medicine, Mass General Brigham Personalized Medicine
Classification: Uncertain significance. Last evaluated: 2012-11-07. Review status: criteria provided, single submitter. Criteria: LMM Criteria. Collection method: clinical testing. Allele origin: germline. Observed: 1 variant allele.
Comment: The Lys694Asn variant in DSC2 has not been reported in the literature nor previo usly identified by our laboratory. This variant has not been identified in large and broad European American and African American populations by the NHLBI Exome Sequencing Project. Computational analyses (biochemical amino acid properties, conservation, AlignGVGD, PolyPhen2, and SIFT ) suggest that the variant may not impact the protein, though this information i s not predictive enough to rule out pathogenicity. In summary, additional inform ation is needed to fully assess the variant's clinical significance.